The following is an entry in ClinVar:

ClinVar aggregate classification (germline): Conflicting classifications of pathogenicity. Review status: criteria provided, conflicting classifications (1 of 4 stars). 4 submissions from 4 submitters: Uncertain significance (3); Likely benign (1). Last evaluated 2025-08-11.

Conditions:
Inborn genetic diseases. Identifiers: MedGen C0950123, MeSH D030342.
Cornelia de Lange syndrome 3 (CDLS3). Also called: CORNELIA DE LANGE SYNDROME 3 WITH OR WITHOUT MIDLINE BRAIN DEFECTS; SMC3-Related Cornelia de Lange Syndrome. Identifiers: Orphanet 199, MedGen C1853099, MONDO:0012555, OMIM 610759.

Allele frequency attached by ClinVar (database versions not stated): gnomAD 0.00001 and 0.00002; ExAC 0.00002; gnomAD exomes 0.00004; TOPMed 0.00004.
gnomAD v4.1: 123 of 1,595,980 alleles (0.0077%); highest among the groups gnomAD compares: Non-Finnish European, 0.0097%; no homozygotes.

Submissions (4):

Labcorp Genetics (formerly Invitae), Labcorp
Classification: Uncertain significance for Cornelia de Lange syndrome 3. Last evaluated: 2025-08-11. Review status: criteria provided, single submitter. Criteria: Invitae Variant Classification Sherloc (09022015). Collection method: clinical testing. Allele origin: germline.
Comment: This sequence change replaces asparagine, which is neutral and polar, with serine, which is neutral and polar, at codon 833 of the SMC3 protein (p.Asn833Ser). This variant is present in population databases (rs777828072, gnomAD 0.006%). This missense change has been observed in individual(s) with clinical features of Cornelia de Lange syndrome (internal data). ClinVar contains an entry for this variant (Variation ID: 500832). Invitae Evidence Modeling of protein sequence and biophysical properties (such as structural, functional, and spatial information, amino acid conservation, physicochemical variation, residue mobility, and thermodynamic stability) has been performed for this missense variant. However, the output from this modeling did not meet the statistical confidence thresholds required to predict the impact of this variant on SMC3 protein function. In summary, the available evidence is currently insufficient to determine the role of this variant in disease. Therefore, it has been classified as a Variant of Uncertain Significance.

Revvity Omics, Revvity
Classification: Uncertain significance for Cornelia de Lange syndrome 3. Last evaluated: 2023-10-30. Review status: criteria provided, single submitter. Criteria: ACMG Guidelines, 2015. Collection method: clinical testing. Allele origin: germline.

Ambry Genetics
Classification: Likely benign for Inborn genetic diseases. Last evaluated: 2022-06-03. Review status: criteria provided, single submitter. Criteria: Ambry Variant Classification Scheme 2023. Collection method: clinical testing. Allele origin: germline.

Eurofins Ntd Llc (ga)
Classification: Uncertain significance. Last evaluated: 2017-03-23. Review status: criteria provided, single submitter. Criteria: EGL Classification Definitions 2015. Collection method: clinical testing. Allele origin: germline. Observed: 2 variant alleles, 2 heterozygotes.

NM_005445.4(SMC3):c.2498A>G (p.Asn833Ser)

Gene: SMC3 (structural maintenance of chromosomes 3; plus strand). Cytogenetic location: 10q25.2.
Variant type: single nucleotide variant.
Coding change: c.2498A>G on transcript NM_005445.4 (MANE Select); coding-DNA position 2498, A replaced by G.
Protein change: p.Asn833Ser; replaces asparagine 833 with serine.
Molecular consequence: missense variant.
Genome position (GRCh38, 1-based): chr10:110,600,509, A>G. VCF-style: chr10-110600509-A-G. GRCh37 (hg19) VCF-style: chr10-112360267-A-G.
Other names: short protein forms N833S.
Identifiers: ClinVar variation 500832 (VCV000500832.16), dbSNP rs777828072, ClinGen allele CA5688195.
Genomic context (GRCh38, chr10:110,600,509, plus strand): 5'-AGTTGCTAAATGAAAGAATTAAATTAGAAGGTATTATTACTCGAGTAGAGACTTATCTCA[A>G]TGAGAATCTGAGAAAACGCTTGGACCAAGTAGAACAGGTGTGTATGTGTTTTTTTTTTTT-3'
Protein context (NP_005436.1, residues 823-843): GIITRVETYL[Asn833Ser]ENLRKRLDQV